The following is an entry in ClinVar:

NM_000230.3(LEP):c.133A>G (p.Ile45Val)

Gene: LEP (leptin; plus strand). Cytogenetic location: 7q32.1.
Variant type: single nucleotide variant.
Coding change: c.133A>G on transcript NM_000230.3 (MANE Select); coding-DNA position 133, A replaced by G.
Protein change: p.Ile45Val; replaces isoleucine 45 with valine.
Molecular consequence: missense variant.
Genome position (GRCh38, 1-based): chr7:128,252,151, A>G. VCF-style: chr7-128252151-A-G. GRCh37 (hg19) VCF-style: chr7-127892204-A-G.
Other names: short protein forms I45V.
Identifiers: ClinVar variation 3052124 (VCV003052124.3), dbSNP rs145044661, ClinGen allele CA4469634.

ClinVar aggregate classification (germline): Uncertain significance (1 of 4 stars; one submission).

Conditions:
LEP-related disorder. Also called: LEP-related condition.

Allele frequency attached by ClinVar (database versions not stated): ExAC 0.00008; gnomAD 0.00021; TOPMed 0.00022; ESP Exome Variant Server 0.00031.
gnomAD v4.1: 40 of 1,614,068 alleles (0.0025%); highest among the groups gnomAD compares: African/African-American, 0.051%; no homozygotes.

Submission:

PreventionGenetics, part of Exact Sciences
Classification: Uncertain significance for LEP-related condition. Last evaluated: 2026-04-08. Review status: criteria provided, single submitter. Criteria: ACMG Guidelines, 2015. Collection method: clinical testing. Allele origin: germline.
Comment: The LEP c.133A>G variant is predicted to result in the amino acid substitution p.Ile45Val. This variant has been reported in a large study of severely obese individuals; however, pathogenicity was not established (Courbage et al. 2021. PubMed ID: 34097736). This variant was suggested to be potentially damaging in a study of the prevalence of potentially damaging variants in the LEP gene (Nunziata et al. 2017. PubMed ID: 29101506). This variant is reported in 0.072% of alleles in individuals of African descent in gnomAD. At this time, the clinical significance of this variant is uncertain due to the absence of conclusive functional and genetic evidence.